The following is an entry in ClinVar:

ClinVar aggregate classification (germline): Uncertain significance (1 of 4 stars; one submission).

gnomAD v4.1: 1 of 1,612,512 alleles (0.000062%); highest among the groups gnomAD compares: Non-Finnish European, 0.000085%; no homozygotes.

Submission:

GeneDx
Classification: Uncertain significance. Last evaluated: 2025-01-08. Review status: criteria provided, single submitter. Criteria: GeneDx Variant Classification Process June 2021. Collection method: clinical testing. Allele origin: germline. Affected: yes.
Comment: Not observed at significant frequency in large population cohorts (gnomAD); In silico analysis supports that this missense variant has a deleterious effect on protein structure/function; Has not been previously published as pathogenic or benign to our knowledge

NM_004423.4(DVL3):c.2045C>T (p.Pro682Leu)

Gene: DVL3 (dishevelled segment polarity protein 3; plus strand). Cytogenetic location: 3q27.1.
Variant type: single nucleotide variant.
Coding change: c.2045C>T on transcript NM_004423.4 (MANE Select); coding-DNA position 2045, C replaced by T.
Protein change: p.Pro682Leu; replaces proline 682 with leucine.
Molecular consequence: missense variant.
Genome position (GRCh38, 1-based): chr3:184,170,649, C>T. VCF-style: chr3-184170649-C-T. GRCh37 (hg19) VCF-style: chr3-183888437-C-T.
Other names: short protein forms P682L.
Identifiers: ClinVar variation 4057082 (VCV004057082.1).